The following is an entry in ClinVar:

NM_000574.5(CD55):c.530C>G (p.Pro177Arg)

Gene: CD55 (CD55 molecule (Cromer blood group); plus strand). Cytogenetic location: 1q32.2.
Variant type: single nucleotide variant.
Coding change: c.530C>G on transcript NM_000574.5 (MANE Select); coding-DNA position 530, C replaced by G.
Protein change: p.Pro177Arg; replaces proline 177 with arginine.
Molecular consequence: missense variant. On other transcripts: non-coding transcript variant (1).
Genome position (GRCh38, 1-based): chr1:207,325,673, C>G. VCF-style: chr1-207325673-C-G. GRCh37 (hg19) VCF-style: chr1-207499018-C-G.
Other names: c.530C>G, p.Pro177Arg (NM_001114752.3, NM_001300902.2, NM_001300903.2 and 1 more transcripts); short protein forms P177R.
Identifiers: ClinVar variation 1366467 (VCV001366467.8), dbSNP rs753303079, ClinGen allele CA344516807.

ClinVar aggregate classification (germline): Uncertain significance (1 of 4 stars; one submission).

Allele frequency attached by ClinVar (database versions not stated): TOPMed below 0.00001.

Submission:

Labcorp Genetics (formerly Invitae), Labcorp
Classification: Uncertain significance. Last evaluated: 2021-01-21. Review status: criteria provided, single submitter. Criteria: Invitae Variant Classification Sherloc (09022015). Collection method: clinical testing. Allele origin: germline.
Comment: In summary, the available evidence is currently insufficient to determine the role of this variant in disease. Therefore, it has been classified as a Variant of Uncertain Significance. Algorithms developed to predict the effect of missense changes on protein structure and function are either unavailable or do not agree on the potential impact of this missense change (SIFT: "Tolerated"; PolyPhen-2: "Possibly Damaging"; Align-GVGD: "Class C0"). This variant has not been reported in the literature in individuals with CD55-related conditions. This variant is not present in population databases (ExAC no frequency). This sequence change replaces proline with arginine at codon 177 of the CD55 protein (p.Pro177Arg). The proline residue is weakly conserved and there is a moderate physicochemical difference between proline and arginine.